The following is an entry in ClinVar:

NM_006231.4(POLE):c.4466T>C (p.Leu1489Pro)

Gene: POLE (DNA polymerase epsilon, catalytic subunit; minus strand). Cytogenetic location: 12q24.33.
Variant type: single nucleotide variant.
Coding change: c.4466T>C on transcript NM_006231.4 (MANE Select); coding-DNA position 4466, T replaced by C.
Protein change: p.Leu1489Pro; replaces leucine 1489 with proline.
Molecular consequence: missense variant.
Genome position (GRCh38, 1-based): chr12:132,643,309, A>G on the plus strand (T>C on the coding strand, the complement: POLE is on the minus strand). VCF-style: chr12-132643309-A-G. GRCh37 (hg19) VCF-style: chr12-133219895-A-G.
Other names: short protein forms L1489P.
Identifiers: ClinVar variation 4745629 (VCV004745629.1).

ClinVar aggregate classification (germline): Uncertain significance (1 of 4 stars; one submission).

Submission:

Labcorp Genetics (formerly Invitae), Labcorp
Classification: Uncertain significance. Last evaluated: 2025-09-24. Review status: criteria provided, single submitter. Criteria: Invitae Variant Classification Sherloc (09022015). Collection method: clinical testing. Allele origin: germline.
Comment: This sequence change replaces leucine, which is neutral and non-polar, with proline, which is neutral and non-polar, at codon 1489 of the POLE protein (p.Leu1489Pro). This variant is not present in population databases (gnomAD no frequency). This variant has not been reported in the literature in individuals affected with POLE-related conditions. Invitae Evidence Modeling of protein sequence and biophysical properties (such as structural, functional, and spatial information, amino acid conservation, physicochemical variation, residue mobility, and thermodynamic stability) has been performed for this missense variant. However, the output from this modeling did not meet the statistical confidence thresholds required to predict the impact of this variant on POLE protein function. In summary, the available evidence is currently insufficient to determine the role of this variant in disease. Therefore, it has been classified as a Variant of Uncertain Significance.